The following is an entry in ClinVar:

NM_015205.3(ATP11A):c.394T>C (p.Phe132Leu)

Gene: ATP11A (ATPase phospholipid transporting 11A; plus strand). Cytogenetic location: 13q34.
Variant type: single nucleotide variant.
Coding change: c.394T>C on transcript NM_015205.3 (MANE Select); coding-DNA position 394, T replaced by C.
Protein change: p.Phe132Leu; replaces phenylalanine 132 with leucine.
Molecular consequence: missense variant.
Genome position (GRCh38, 1-based): chr13:112,810,679, T>C. VCF-style: chr13-112810679-T-C. GRCh37 (hg19) VCF-style: chr13-113464993-T-C.
Other names: c.394T>C, p.Phe132Leu (NM_001405661.1, NM_001405662.1, NM_001405663.1 and 1 more transcripts); short protein forms F132L.
Identifiers: ClinVar variation 2352878 (VCV002352878.4), dbSNP rs200385753, ClinGen allele CA7056336.

ClinVar aggregate classification (germline): Uncertain significance. Review status: criteria provided, single submitter (1 of 4 stars). 2 submissions from 2 submitters: Uncertain significance (1). 1 of the submissions does not count toward it. Last evaluated 2021-11-15.

Conditions:
Inborn genetic diseases. Identifiers: MedGen C0950123, MeSH D030342.
ATP11A-related disorder. Also called: ATP11A-related condition.

Allele frequency attached by ClinVar (database versions not stated): ExAC 0.00005; gnomAD exomes 0.00005; gnomAD 0.00007; TOPMed 0.00008.
gnomAD v4.1: 85 of 1,614,072 alleles (0.0053%); highest among the groups gnomAD compares: Non-Finnish European, 0.00085%; no homozygotes.

Submissions (2):

Ambry Genetics
Classification: Uncertain significance for Inborn genetic diseases. Last evaluated: 2021-11-15. Review status: criteria provided, single submitter. Criteria: Ambry Variant Classification Scheme 2023. Collection method: clinical testing. Allele origin: germline.

PreventionGenetics, part of Exact Sciences
Classification: Likely benign for ATP11A-related condition. Last evaluated: 2023-06-19. Review status: no assertion criteria provided. Collection method: clinical testing. Allele origin: germline. Not counted in ClinVar's aggregate classification.
Comment: This variant is classified as likely benign based on ACMG/AMP sequence variant interpretation guidelines (Richards et al. 2015 PMID: 25741868, with internal and published modifications).